The following is an entry in ClinVar:

ClinVar aggregate classification (germline): Benign/Likely benign. Review status: criteria provided, multiple submitters, no conflicts (2 of 4 stars). 5 submissions from 5 submitters: Benign (1); Likely benign (4). Last evaluated 2025-09-02.

Conditions:
Hereditary cancer-predisposing syndrome. Also called: Hereditary neoplastic syndrome; Neoplastic Syndromes, Hereditary; Tumor predisposition; Hereditary Cancer Syndrome. Identifiers: Orphanet 140162, MedGen C0027672, MeSH D009386, MONDO:0015356.
Peutz-Jeghers syndrome (PJS). Also called: POLYPOSIS, HAMARTOMATOUS INTESTINAL; POLYPS-AND-SPOTS SYNDROME; Peutz-Jeghers polyposis; Periorificial lentiginosis syndrome. Identifiers: Orphanet 2869, MedGen C0031269, MeSH D010580, MONDO:0008280, OMIM 175200.

Allele frequency attached by ClinVar (database versions not stated): gnomAD exomes 0.00001 and 0.00002; ExAC 0.00004.
gnomAD v4.1: 17 of 1,613,054 alleles (0.0011%); highest among the groups gnomAD compares: Non-Finnish European, 0.0012%; no homozygotes.

Submissions (5):

Labcorp Genetics (formerly Invitae), Labcorp
Classification: Likely benign for Peutz-Jeghers syndrome. Last evaluated: 2025-09-02. Review status: criteria provided, single submitter. Criteria: Invitae Variant Classification Sherloc (09022015). Collection method: clinical testing. Allele origin: germline.

Myriad Genetics, Inc.
Classification: Benign for Peutz-Jeghers syndrome. Last evaluated: 2025-03-25. Review status: criteria provided, single submitter. Criteria: Myriad Autosomal Dominant, Autosomal Recessive and X-Linked Classification Criteria (2023). Collection method: clinical testing. Allele origin: unknown.
Comment: This variant is considered benign. This variant is a silent/synonymous amino acid change and it is not expected to impact splicing.

All of Us Research Program, National Institutes of Health
Classification: Likely benign for Peutz-Jeghers syndrome. Last evaluated: 2023-08-15. Review status: criteria provided, single submitter. Criteria: ACMG Guidelines, 2015. Collection method: clinical testing. Allele origin: germline. Inheritance: Autosomal dominant inheritance. Observed: 3 variant alleles, 3 heterozygotes.
Comment: This study involves interpretation of variants in research participants for the purpose of population health screening. Participant phenotype was not available at the time of variant classification. Additional details can be found in publication PMID: 35346344, PMCID: PMC8962531

Ambry Genetics
Classification: Likely benign for Hereditary cancer-predisposing syndrome. Last evaluated: 2020-10-01. Review status: criteria provided, single submitter. Criteria: Ambry Variant Classification Scheme 2023. Collection method: clinical testing. Allele origin: germline.

Color Diagnostics, LLC DBA Color Health
Classification: Likely benign for Hereditary cancer-predisposing syndrome. Last evaluated: 2015-07-29. Review status: criteria provided, single submitter. Criteria: ACMG Guidelines, 2015. Collection method: clinical testing. Allele origin: germline.

NM_000455.5(STK11):c.234G>A (p.Lys78=)

Gene: STK11 (serine/threonine kinase 11; plus strand). Cytogenetic location: 19p13.3.
Variant type: single nucleotide variant.
Coding change: c.234G>A on transcript NM_000455.5 (MANE Select); coding-DNA position 234, G replaced by A.
Protein change: p.Lys78=; no amino-acid change (lysine 78 retained).
Molecular consequence: synonymous variant.
Genome position (GRCh38, 1-based): chr19:1,207,147, G>A. VCF-style: chr19-1207147-G-A. GRCh37 (hg19) VCF-style: chr19-1207146-G-A.
Identifiers: ClinVar variation 412546 (VCV000412546.18), dbSNP rs766658000, ClinGen allele CA046628.